The following is an entry in ClinVar:

NM_144997.7(FLCN):c.371C>A (p.Ala124Asp)

Gene: FLCN (folliculin; minus strand). Cytogenetic location: 17p11.2.
Variant type: single nucleotide variant.
Coding change: c.371C>A on transcript NM_144997.7 (MANE Select); coding-DNA position 371, C replaced by A.
Protein change: p.Ala124Asp; replaces alanine 124 with aspartic acid.
Molecular consequence: missense variant.
Genome position (GRCh38, 1-based): chr17:17,226,201, G>T on the plus strand (C>A on the coding strand, the complement: FLCN is on the minus strand). VCF-style: chr17-17226201-G-T. GRCh37 (hg19) VCF-style: chr17-17129515-G-T.
Other names: c.371C>A, p.Ala124Asp (NM_001353229.2, NM_001353230.2, NM_001353231.2 and 1 more transcripts); short protein forms A124D.
Identifiers: ClinVar variation 859591 (VCV000859591.1), dbSNP rs2047242712, ClinGen allele CA398534727.

ClinVar aggregate classification (germline): Uncertain significance (1 of 4 stars; one submission).

Conditions:
Birt-Hogg-Dube syndrome. Also called: Birt Hogg Dubé syndrome. Identifiers: Orphanet 122, MedGen C0346010, MONDO:0800444.

Submission:

Labcorp Genetics (formerly Invitae), Labcorp
Classification: Uncertain significance for Multiple fibrofolliculomas. Last evaluated: 2019-12-03. Review status: criteria provided, single submitter. Criteria: Invitae Variant Classification Sherloc (09022015). Collection method: clinical testing. Allele origin: germline.
Comment: This sequence change replaces alanine with aspartic acid at codon 124 of the FLCN protein (p.Ala124Asp). The alanine residue is highly conserved and there is a moderate physicochemical difference between alanine and aspartic acid. This variant is not present in population databases (ExAC no frequency). This variant has not been reported in the literature in individuals with FLCN-related conditions. Algorithms developed to predict the effect of missense changes on protein structure and function (SIFT, PolyPhen-2, Align-GVGD) all suggest that this variant is likely to be disruptive, but these predictions have not been confirmed by published functional studies and their clinical significance is uncertain. In summary, the available evidence is currently insufficient to determine the role of this variant in disease. Therefore, it has been classified as a Variant of Uncertain Significance.